The following is an entry in ClinVar:

NM_000256.3(MYBPC3):c.1903A>T (p.Lys635Ter)

Gene: MYBPC3 (myosin binding protein C3; minus strand). Cytogenetic location: 11p11.2.
Variant type: single nucleotide variant.
Coding change: c.1903A>T on transcript NM_000256.3 (MANE Select); coding-DNA position 1903, A replaced by T.
Protein change: p.Lys635Ter; replaces lysine 635 with a stop codon.
Molecular consequence: nonsense.
Genome position (GRCh38, 1-based): chr11:47,341,027, T>A on the plus strand (A>T on the coding strand, the complement: MYBPC3 is on the minus strand). VCF-style: chr11-47341027-T-A. GRCh37 (hg19) VCF-style: chr11-47362578-T-A.
Other names: short protein forms K635*.
Identifiers: ClinVar variation 1404109 (VCV001404109.6), dbSNP rs2142859071, ClinGen allele CA380323374.
Genomic context (GRCh38, chr11:47,341,027, plus strand): 5'-TGAGCAGAACCAAGACTCAGGGGCCCCAAGACTTACCCTGCCTGGGTACGAAGTCAATCT[T>A]GACCTCTGCAAGAGAAGGAAGAGCAAGTAGCACGGGGGCAAAGGCAGGGCCCAGTGACAG-3'

ClinVar aggregate classification (germline): Pathogenic (1 of 4 stars; one submission).

Conditions:
Hypertrophic cardiomyopathy. Also called: HYPERTROPHIC MYOCARDIOPATHY. Identifiers: Orphanet 217569, MedGen C0007194, MeSH D002312, MONDO:0005045, HP:0001639.

Submission:

Labcorp Genetics (formerly Invitae), Labcorp
Classification: Pathogenic for Hypertrophic cardiomyopathy. Last evaluated: 2021-10-12. Review status: criteria provided, single submitter. Criteria: Invitae Variant Classification Sherloc (09022015). Collection method: clinical testing. Allele origin: germline.
Comment: For these reasons, this variant has been classified as Pathogenic. This variant has not been reported in the literature in individuals affected with MYBPC3-related conditions. This variant is not present in population databases (ExAC no frequency). This sequence change creates a premature translational stop signal (p.Lys635*) in the MYBPC3 gene. It is expected to result in an absent or disrupted protein product. Loss-of-function variants in MYBPC3 are known to be pathogenic (PMID: 19574547).

Literature cited by the submitters: PubMed 19574547.